The following is an entry in ClinVar:

ClinVar aggregate classification (germline): Uncertain significance (1 of 4 stars; one submission).

Submission:

Laboratory for Molecular Medicine, Mass General Brigham Personalized Medicine
Classification: Uncertain significance. Last evaluated: 2019-10-11. Review status: criteria provided, single submitter. Criteria: LMM Criteria. Collection method: clinical testing. Allele origin: germline. Observed: 1 variant allele.
Comment: The p.Asp162Gly variant in CEP78 has not been previously reported in individuals with hearing loss or vision loss and was absent from large population studies. Computational prediction tools and conservation analysis suggest that this variant may impact the protein, though this information is not predictive enough to determine pathogenicity. In summary, the clinical significance of this variant is uncertain. ACMG/AMP Criteria applied: PM2, PP3.

NM_001330691.3(CEP78):c.485A>G (p.Asp162Gly)

Gene: CEP78 (centrosomal protein 78; plus strand). Cytogenetic location: 9q21.2.
Variant type: single nucleotide variant.
Coding change: c.485A>G on transcript NM_001330691.3 (MANE Select); coding-DNA position 485, A replaced by G.
Protein change: p.Asp162Gly; replaces aspartic acid 162 with glycine.
Molecular consequence: missense variant.
Genome position (GRCh38, 1-based): chr9:78,240,350, A>G. VCF-style: chr9-78240350-A-G. GRCh37 (hg19) VCF-style: chr9-80855266-A-G.
Other names: c.485A>G, p.Asp162Gly (NM_001098802.3, NM_001330693.3, NM_001330694.2 and 4 more transcripts); short protein forms D162G.
Identifiers: ClinVar variation 930138 (VCV000930138.4), dbSNP rs1826169363, ClinGen allele CA374000092.